The following is an entry in ClinVar:

ClinVar aggregate classification (germline): Uncertain significance (1 of 4 stars; one submission).

Allele frequency attached by ClinVar (database versions not stated): gnomAD exomes below 0.00001.
gnomAD v4.1: 2 of 1,613,712 alleles (0.00012%); highest among the groups gnomAD compares: East Asian, 0.0022%; no homozygotes.

Submission:

Labcorp Genetics (formerly Invitae), Labcorp
Classification: Uncertain significance. Last evaluated: 2023-05-15. Review status: criteria provided, single submitter. Criteria: Invitae Variant Classification Sherloc (09022015). Collection method: clinical testing. Allele origin: germline.
Comment: In summary, the available evidence is currently insufficient to determine the role of this variant in disease. Therefore, it has been classified as a Variant of Uncertain Significance. An algorithm developed to predict the effect of missense changes on protein structure and function (PolyPhen-2) suggests that this variant¬† is likely to be tolerated. ClinVar contains an entry for this variant (Variation ID: 1948718). This variant has not been reported in the literature in individuals affected with ATAD1-related conditions. This variant is not present in population databases (gnomAD no frequency). This sequence change replaces glutamine, which is neutral and polar, with arginine, which is basic and polar, at codon 352 of the ATAD1 protein (p.Gln352Arg).

NM_001321967.2(ATAD1):c.1055A>G (p.Gln352Arg)

Gene: ATAD1 (ATPase family AAA domain containing 1; minus strand). Cytogenetic location: 10q23.31.
Variant type: single nucleotide variant.
Coding change: c.1055A>G on transcript NM_001321967.2 (MANE Select); coding-DNA position 1055, A replaced by G.
Protein change: p.Gln352Arg; replaces glutamine 352 with arginine.
Molecular consequence: missense variant. On other transcripts: non-coding transcript variant (1).
Genome position (GRCh38, 1-based): chr10:87,754,718, T>C on the plus strand (A>G on the coding strand, the complement: ATAD1 is on the minus strand). VCF-style: chr10-87754718-T-C. GRCh37 (hg19) VCF-style: chr10-89514475-T-C.
Other names: c.965A>G, p.Gln322Arg (NM_001321968.2); c.698A>G, p.Gln233Arg (NM_001321969.2); c.1055A>G, p.Gln352Arg (NM_032810.4); short protein forms Q233R, Q322R, Q352R.
Identifiers: ClinVar variation 1948718 (VCV001948718.3), dbSNP rs1564735515, ClinGen allele CA377485552.